The following is an entry in ClinVar:

ClinVar aggregate classification (germline): Conflicting classifications of pathogenicity. Review status: criteria provided, conflicting classifications (1 of 4 stars). 6 submissions from 6 submitters: Uncertain significance (4); Benign (1); Likely benign (1). Last evaluated 2026-03-01.

Conditions:
Congenital dyserythropoietic anemia, type I. Also called: Dyserythropoietic anemia, congenital type 1. Identifiers: Orphanet 98869, MedGen C0271933, MONDO:0020337. Disease mechanism: loss of function.
CDAN1-related disorder. Also called: CDAN1-related condition.
Anemia, congenital dyserythropoietic, type 1a (CDAN1A). Also called: DYSERYTHROPOIETIC ANEMIA, CONGENITAL, TYPE Ia; CDAN1-Related Congenital Dyserythropoietic Anemia. Identifiers: MedGen C5574667, MONDO:0009135, OMIM 224120.

Allele frequency attached by ClinVar (database versions not stated): gnomAD exomes 0.00011 and 0.00020; ExAC 0.00029; gnomAD 0.00074 and 0.00076; TOPMed 0.00088; ESP Exome Variant Server 0.00092; 1000 Genomes Project 30x 0.00109; 1000 Genomes Project 0.00120.

Submissions (6):

PreventionGenetics, part of Exact Sciences
Classification: Likely benign for CDAN1-related condition. Last evaluated: 2026-03-01. Review status: criteria provided, single submitter. Criteria: ACMG Guidelines, 2015. Collection method: clinical testing. Allele origin: germline.
Comment: This variant is classified as likely benign based on ACMG/AMP sequence variant interpretation guidelines (Richards et al. 2015 PMID: 25741868, with internal and published modifications).

Labcorp Genetics (formerly Invitae), Labcorp
Classification: Benign. Last evaluated: 2026-01-26. Review status: criteria provided, single submitter. Criteria: Invitae Variant Classification Sherloc (09022015). Collection method: clinical testing. Allele origin: germline.

Blueprint Genetics
Classification: Uncertain significance. Last evaluated: 2024-08-12. Review status: criteria provided, single submitter. Criteria: ACMG Guidelines, 2015. Collection method: clinical testing. Allele origin: germline.

ARUP Laboratories, Molecular Genetics and Genomics, ARUP Laboratories
Classification: Uncertain significance for Anemia, congenital dyserythropoietic, type 1a. Last evaluated: 2022-03-01. Review status: criteria provided, single submitter. Criteria: ARUP Molecular Germline Variant Investigation Process 2021. Collection method: clinical testing. Allele origin: germline.

Illumina Laboratory Services, Illumina
Classification: Uncertain significance for Anemia, congenital dyserythropoietic, type 1a. Last evaluated: 2018-01-13. Review status: criteria provided, single submitter. Criteria: ICSL Variant Classification Criteria 13 December 2019. Collection method: clinical testing. Allele origin: germline.

Breakthrough Genomics
Classification: Uncertain significance. Review status: criteria provided, single submitter. Criteria: ACMG Guidelines, 2015. Collection method: not provided. Allele origin: germline. Inheritance: Autosomal recessive inheritance. Affected: yes.

NM_138477.4(CDAN1):c.2662G>C (p.Asp888His)

Gene: CDAN1 (codanin 1; minus strand). Cytogenetic location: 15q15.2.
Variant type: single nucleotide variant.
Coding change: c.2662G>C on transcript NM_138477.4 (MANE Select); coding-DNA position 2662, G replaced by C.
Protein change: p.Asp888His; replaces aspartic acid 888 with histidine.
Molecular consequence: missense variant.
Genome position (GRCh38, 1-based): chr15:42,728,794, C>G on the plus strand (G>C on the coding strand, the complement: CDAN1 is on the minus strand). VCF-style: chr15-42728794-C-G. GRCh37 (hg19) VCF-style: chr15-43020992-C-G.
Other names: short protein forms D888H.
Identifiers: ClinVar variation 888271 (VCV000888271.18), dbSNP rs150657573, ClinGen allele CA7515507.